The following is an entry in ClinVar:

ClinVar aggregate classification (germline): Uncertain significance (1 of 4 stars; one submission).

Conditions:
Parathyroid carcinoma (PRTC). Also called: Parathyroid gland carcinoma; CDC73-Related Parathyroid Carcinoma. Identifiers: Orphanet 143, MedGen C0687150, MONDO:0012004, OMIM 608266, HP:0006780.

Submission:

Labcorp Genetics (formerly Invitae), Labcorp
Classification: Uncertain significance for Parathyroid carcinoma. Last evaluated: 2023-12-30. Review status: criteria provided, single submitter. Criteria: Invitae Variant Classification Sherloc (09022015). Collection method: clinical testing. Allele origin: germline.
Comment: This sequence change replaces asparagine, which is neutral and polar, with histidine, which is basic and polar, at codon 488 of the CDC73 protein (p.Asn488His). This variant is not present in population databases (gnomAD no frequency). This variant has not been reported in the literature in individuals affected with CDC73-related conditions. Advanced modeling of protein sequence and biophysical properties (such as structural, functional, and spatial information, amino acid conservation, physicochemical variation, residue mobility, and thermodynamic stability) performed at Invitae indicates that this missense variant is expected to disrupt CDC73 protein function with a positive predictive value of 80%. In summary, the available evidence is currently insufficient to determine the role of this variant in disease. Therefore, it has been classified as a Variant of Uncertain Significance.

NM_024529.5(CDC73):c.1462A>C (p.Asn488His)

Gene: CDC73 (cell division cycle 73; plus strand). Cytogenetic location: 1q31.2.
Variant type: single nucleotide variant.
Coding change: c.1462A>C on transcript NM_024529.5 (MANE Select); coding-DNA position 1462, A replaced by C.
Protein change: p.Asn488His; replaces asparagine 488 with histidine.
Molecular consequence: missense variant.
Genome position (GRCh38, 1-based): chr1:193,249,774, A>C. VCF-style: chr1-193249774-A-C. GRCh37 (hg19) VCF-style: chr1-193218904-A-C.
Other names: short protein forms N488H.
Identifiers: ClinVar variation 2806022 (VCV002806022.1), dbSNP rs2102073372, ClinGen allele CA344078430.